The following is an entry in ClinVar:

NM_207122.2(EXT2):c.239G>A (p.Arg80Gln)

Gene: EXT2 (exostosin glycosyltransferase 2; plus strand). Cytogenetic location: 11p11.2.
Variant type: single nucleotide variant.
Coding change: c.239G>A on transcript NM_207122.2 (MANE Select); coding-DNA position 239, G replaced by A.
Protein change: p.Arg80Gln; replaces arginine 80 with glutamine.
Molecular consequence: missense variant.
Genome position (GRCh38, 1-based): chr11:44,107,951, G>A. VCF-style: chr11-44107951-G-A. GRCh37 (hg19) VCF-style: chr11-44129501-G-A.
Other names: c.338G>A, p.Arg113Gln (NM_000401.3); c.239G>A, p.Arg80Gln (NM_001178083.3, NM_001389628.1, NM_001389630.1); short protein forms R80Q, R113Q.
Identifiers: ClinVar variation 850072 (VCV000850072.9), dbSNP rs763536229, ClinGen allele CA380179914.
Genomic context (GRCh38, chr11:44,107,951, plus strand): 5'-AGCGCAGCATCCGTGATGTGCCGGTTGTTAGGCTGCCAGCCGACAGTCCCATCCCAGAGC[G>A]GGGGGATCTCAGTTGCAGAATGCACACGTGTTTTGATGTCTATCGCTGTGGCTTCAACCC-3'
Protein context (NP_997005.1, residues 70-90): RLPADSPIPE[Arg80Gln]GDLSCRMHTC

ClinVar aggregate classification (germline): Uncertain significance. Review status: criteria provided, multiple submitters, no conflicts (2 of 4 stars). 2 submissions from 2 submitters: Uncertain significance (2). Last evaluated 2026-01-14.

Conditions:
Inborn genetic diseases. Identifiers: MedGen C0950123, MeSH D030342.
Exostoses, multiple, type 2 (EXT2). Also called: EXOSTOSES, MULTIPLE, TYPE II; Hereditary Multiple Osteochondromatosis, Type II. Identifiers: Orphanet 321, MedGen C1851413, MONDO:0007586, OMIM 133701.

gnomAD v4.1: 19 of 1,614,064 alleles (0.0012%); highest among the groups gnomAD compares: Middle Eastern, 0.016%; no homozygotes.

Submissions (2):

Ambry Genetics
Classification: Uncertain significance for Inborn genetic diseases. Last evaluated: 2026-01-14. Review status: criteria provided, single submitter. Criteria: Ambry Variant Classification Scheme 2023. Collection method: clinical testing. Allele origin: germline.

Labcorp Genetics (formerly Invitae), Labcorp
Classification: Uncertain significance for Exostoses, multiple, type 2. Last evaluated: 2024-09-26. Review status: criteria provided, single submitter. Criteria: Invitae Variant Classification Sherloc (09022015). Collection method: clinical testing. Allele origin: germline.
Comment: This sequence change replaces arginine, which is basic and polar, with glutamine, which is neutral and polar, at codon 80 of the EXT2 protein (p.Arg80Gln). This variant is present in population databases (no rsID available, gnomAD 0.0009%). This variant has not been reported in the literature in individuals affected with EXT2-related conditions. ClinVar contains an entry for this variant (Variation ID: 850072). Invitae Evidence Modeling of protein sequence and biophysical properties (such as structural, functional, and spatial information, amino acid conservation, physicochemical variation, residue mobility, and thermodynamic stability) indicates that this missense variant is not expected to disrupt EXT2 protein function with a negative predictive value of 80%. In summary, the available evidence is currently insufficient to determine the role of this variant in disease. Therefore, it has been classified as a Variant of Uncertain Significance.